The following is an entry in ClinVar:

ClinVar aggregate classification (germline): Pathogenic/Likely pathogenic. Review status: criteria provided, multiple submitters, no conflicts (2 of 4 stars). 3 submissions from 3 submitters: Pathogenic (1); Likely pathogenic (1). 1 of the submissions does not count toward it. Last evaluated 2024-08-09.

Conditions:
Dowling-Degos disease 4. Identifiers: Orphanet 79145, MedGen C3810313, MONDO:0014307, OMIM 615696.

Allele frequency attached by ClinVar (database versions not stated): TOPMed below 0.00001; ExAC 0.00001; gnomAD 0.00001.
gnomAD v4.1: 2 of 1,608,512 alleles (0.00012%); highest among the groups gnomAD compares: Non-Finnish European, 0.00017%; no homozygotes.

Submissions (3):

Labcorp Genetics (formerly Invitae), Labcorp
Classification: Pathogenic. Last evaluated: 2024-08-09. Review status: criteria provided, single submitter. Criteria: Invitae Variant Classification Sherloc (09022015). Collection method: clinical testing. Allele origin: germline.
Comment: This sequence change creates a premature translational stop signal (p.Trp4*) in the POGLUT1 gene. It is expected to result in an absent or disrupted protein product. Loss-of-function variants in POGLUT1 are known to be pathogenic (PMID: 24387993). This variant is present in population databases (rs587777293, gnomAD 0.001%). This premature translational stop signal has been observed in individual(s) with Dowling-Degos disease (PMID: 24387993). ClinVar contains an entry for this variant (Variation ID: 126528). For these reasons, this variant has been classified as Pathogenic.

Revvity Omics, Revvity
Classification: Likely pathogenic. Last evaluated: 2022-09-20. Review status: criteria provided, single submitter. Criteria: ACMG Guidelines, 2015. Collection method: clinical testing. Allele origin: germline.

OMIM
Classification: Pathogenic for DOWLING-DEGOS DISEASE 4. Last evaluated: 2014-01-02. Review status: no assertion criteria provided. Collection method: literature only. Allele origin: germline. Not counted in ClinVar's aggregate classification.

Literature cited by the submitters: PubMed 24387993 (cited by Labcorp Genetics (formerly Invitae), Labcorp and OMIM); PubMed 21971768 (cited by OMIM).

NM_152305.3(POGLUT1):c.11G>A (p.Trp4Ter)

Gene: POGLUT1 (protein O-glucosyltransferase 1; plus strand). Cytogenetic location: 3q13.33.
Variant type: single nucleotide variant.
Coding change: c.11G>A on transcript NM_152305.3 (MANE Select); coding-DNA position 11, G replaced by A.
Protein change: p.Trp4Ter; replaces tryptophan 4 with a stop codon.
Molecular consequence: nonsense. On other transcripts: non-coding transcript variant (1).
Genome position (GRCh38, 1-based): chr3:119,469,032, G>A. VCF-style: chr3-119469032-G-A. GRCh37 (hg19) VCF-style: chr3-119187879-G-A.
Other names: short protein forms W4*.
Identifiers: ClinVar variation 126528 (VCV000126528.8), dbSNP rs587777293, ClinGen allele CA151188.